The following is an entry in ClinVar:

NM_201525.4(ADGRG1):c.1555+15G>C

Gene: ADGRG1 (adhesion G protein-coupled receptor G1; plus strand). Cytogenetic location: 16q21.
Variant type: single nucleotide variant.
Coding change: c.1555+15G>C on transcript NM_201525.4 (MANE Select); 15 bases into the intron after coding-DNA position 1555, G replaced by C.
Molecular consequence: intron variant.
Genome position (GRCh38, 1-based): chr16:57,659,696, G>C. VCF-style: chr16-57659696-G-C. GRCh37 (hg19) VCF-style: chr16-57693608-G-C.
Other names: c.1555+15G>C (NM_001370440.1, NM_001370436.1, NM_001370438.1 and 7 more transcripts); c.1573+15G>C (NM_001370428.1, NM_001370430.1, NM_001370431.1 and 4 more transcripts); c.1063+15G>C (NM_001290142.2); c.1030+15G>C (NM_001370451.1, NM_001370453.1, NM_001370454.1 and 1 more transcripts); c.1048+15G>C (NM_001290143.2); c.1570+15G>C (NM_001370434.1, NM_001370433.1, NM_001145773.3); c.1399+15G>C (NM_001370442.1); c.1552+15G>C (NM_001370441.1).
Identifiers: ClinVar variation 137496 (VCV000137496.18), dbSNP rs75843478, ClinGen allele CA172251.
Genomic context (GRCh38, chr16:57,659,696, plus strand): 5'-ACCTATGTCCCTGGCTACCTACTCAAGCTGAGCGCCATGGGCTGGGGTAAGTGGTTGGGC[G>C]GGGGGTGCCTCAGACCTGCCTCTCCCACTTGGCTCTGGCAAAACCCAGGCACCTGGTTCT-3'

ClinVar aggregate classification (germline): Benign. Review status: criteria provided, multiple submitters, no conflicts (2 of 4 stars). 6 submissions from 6 submitters: Benign (6). Last evaluated 2026-02-04.

Conditions:
Bilateral frontoparietal polymicrogyria. Also called: CORTICAL DYSPLASIA, COMPLEX, WITH OTHER BRAIN MALFORMATIONS 14A (BILATERAL FRONTOPARIETAL); CEREBELLAR ATAXIA WITH NEURONAL MIGRATION DEFECT. Identifiers: Orphanet 101070, MedGen C1847352, MONDO:0011738, OMIM 606854.

Allele frequency attached by ClinVar (database versions not stated): ESP Exome Variant Server 0.00177; gnomAD 0.01900; TOPMed 0.01938; 1000 Genomes Project 30x 0.05934; 1000 Genomes Project 0.06410.
gnomAD v4.1: 22,306 of 1,611,888 alleles (1.4%); highest among the groups gnomAD compares: East Asian, 19%; 1,273 homozygotes.

Submissions (6):

Labcorp Genetics (formerly Invitae), Labcorp
Classification: Benign. Last evaluated: 2026-02-04. Review status: criteria provided, single submitter. Criteria: Invitae Variant Classification Sherloc (09022015). Collection method: clinical testing. Allele origin: germline.

Illumina Laboratory Services, Illumina
Classification: Benign for Bilateral frontoparietal polymicrogyria. Last evaluated: 2018-01-13. Review status: criteria provided, single submitter. Criteria: ICSL Variant Classification Criteria 13 December 2019. Collection method: clinical testing. Allele origin: germline.
Comment: This variant was observed in the ICSL laboratory as part of a predisposition screen in an ostensibly healthy population. It had not been previously curated by ICSL or reported in the Human Gene Mutation Database (HGMD: prior to June 1st, 2018), and was therefore a candidate for classification through an automated scoring system. Utilizing variant allele frequency, disease prevalence and penetrance estimates, and inheritance mode, an automated score was calculated to assess if this variant is too frequent to cause the disease. Based on the score and internal cut-off values, a variant classified as benign is not then subjected to further curation. The score for this variant resulted in a classification of benign for this disease.

GeneDx
Classification: Benign. Last evaluated: 2014-03-14. Review status: criteria provided, single submitter. Criteria: GeneDx Variant Classification (06012015). Collection method: clinical testing. Allele origin: germline. Affected: yes.
Comment: This variant is considered likely benign or benign based on one or more of the following criteria: it is a conservative change, it occurs at a poorly conserved position in the protein, it is predicted to be benign by multiple in silico algorithms, and/or has population frequency not consistent with disease.

Genetic Services Laboratory, University of Chicago
Classification: Benign. Last evaluated: 2013-02-08. Review status: criteria provided, single submitter. Criteria: ACMG Guidelines, 2007. Collection method: clinical testing. Allele origin: germline. Inheritance: Autosomal recessive inheritance.

Breakthrough Genomics
Classification: Benign. Review status: criteria provided, single submitter. Criteria: ACMG Guidelines, 2015. Collection method: not provided. Allele origin: germline. Inheritance: Autosomal recessive inheritance. Affected: yes.

PreventionGenetics, part of Exact Sciences
Classification: Benign. Review status: criteria provided, single submitter. Criteria: ACMG Guidelines, 2015. Collection method: clinical testing. Allele origin: germline.